The following is an entry in ClinVar:

NM_022369.4(STRA6):c.1581G>A (p.Met527Ile)

Gene: STRA6 (signaling receptor and transporter of retinol STRA6; minus strand). Cytogenetic location: 15q24.1.
Variant type: single nucleotide variant.
Coding change: c.1581G>A on transcript NM_022369.4 (MANE Select); coding-DNA position 1581, G replaced by A.
Protein change: p.Met527Ile; replaces methionine 527 with isoleucine.
Molecular consequence: missense variant.
Genome position (GRCh38, 1-based): chr15:74,181,398, C>T on the plus strand (G>A on the coding strand, the complement: STRA6 is on the minus strand). VCF-style: chr15-74181398-C-T. GRCh37 (hg19) VCF-style: chr15-74473739-C-T.
Other names: c.1581G>A, p.Met527Ile (NM_001142617.2, NM_001142618.2); c.1554G>A, p.Met518Ile (NM_001142619.2); c.1692G>A, p.Met564Ile (NM_001199040.2); c.1626G>A, p.Met542Ile (NM_001199041.2); c.1698G>A, p.Met566Ile (NM_001199042.2); short protein forms M527I, M566I, M518I, M564I, M542I.
Identifiers: ClinVar variation 261578 (VCV000261578.19), dbSNP rs736118, ClinGen allele CA7654511.

ClinVar aggregate classification (germline): Benign/Likely benign. Review status: criteria provided, multiple submitters, no conflicts (2 of 4 stars). 6 submissions from 6 submitters: Benign (5); Likely benign (1). Last evaluated 2026-01-29.

Conditions:
Microphthalmia, syndromic 9. Also called: ANOPHTHALMIA, CLINICAL, WITH MILD FACIAL DYSMORPHISM AND VARIABLE MALFORMATIONS OF THE LUNG, HEART, AND DIAPHRAGM; ANOPHTHALMIA/MICROPHTHALMIA AND PULMONARY HYPOPLASIA; PULMONARY AGENESIS, MICROPHTHALMIA, AND DIAPHRAGMATIC DEFECT; SPEAR SYNDROME; Matthew-Wood syndrome. Identifiers: Orphanet 2470, MedGen C1832661, MONDO:0011010, OMIM 601186.

Allele frequency attached by ClinVar (database versions not stated): ESP Exome Variant Server 0.08699; gnomAD 0.10407 and 0.11376; TOPMed 0.11390; gnomAD exomes 0.11590 and 0.16155; ExAC 0.15834; 1000 Genomes Project 30x 0.19535; 1000 Genomes Project 0.19948.
gnomAD v4.1: 187,428 of 1,613,538 alleles (12%); highest among the groups gnomAD compares: East Asian, 34%; 15,095 homozygotes.

Submissions (6):

Labcorp Genetics (formerly Invitae), Labcorp
Classification: Benign for Microphthalmia, syndromic 9. Last evaluated: 2026-01-29. Review status: criteria provided, single submitter. Criteria: Invitae Variant Classification Sherloc (09022015). Collection method: clinical testing. Allele origin: germline.

Blueprint Genetics
Classification: Likely benign. Last evaluated: 2024-11-27. Review status: criteria provided, single submitter. Criteria: ACMG Guidelines, 2015. Collection method: clinical testing. Allele origin: germline.

Illumina Laboratory Services, Illumina
Classification: Benign for Microphthalmia, syndromic 9. Last evaluated: 2018-01-13. Review status: criteria provided, single submitter. Criteria: ICSL Variant Classification Criteria 13 December 2019. Collection method: clinical testing. Allele origin: germline.
Comment: This variant was observed in the ICSL laboratory as part of a predisposition screen in an ostensibly healthy population. It had not been previously curated by ICSL or reported in the Human Gene Mutation Database (HGMD: prior to June 1st, 2018), and was therefore a candidate for classification through an automated scoring system. Utilizing variant allele frequency, disease prevalence and penetrance estimates, and inheritance mode, an automated score was calculated to assess if this variant is too frequent to cause the disease. Based on the score and internal cut-off values, a variant classified as benign is not then subjected to further curation. The score for this variant resulted in a classification of benign for this disease.

GeneDx
Classification: Benign. Last evaluated: 2015-03-03. Review status: criteria provided, single submitter. Criteria: GeneDx Variant Classification Process June 2021. Collection method: clinical testing. Allele origin: germline. Affected: yes.

Breakthrough Genomics
Classification: Benign. Review status: criteria provided, single submitter. Criteria: ACMG Guidelines, 2015. Collection method: not provided. Allele origin: germline. Inheritance: Autosomal recessive inheritance. Affected: yes.

PreventionGenetics, part of Exact Sciences
Classification: Benign. Review status: criteria provided, single submitter. Criteria: ACMG Guidelines, 2015. Collection method: clinical testing. Allele origin: germline.